The following is an entry in ClinVar:

ClinVar aggregate classification (germline): Uncertain significance (1 of 4 stars; one submission).

Submission:

Labcorp Genetics (formerly Invitae), Labcorp
Classification: Uncertain significance. Last evaluated: 2022-07-21. Review status: criteria provided, single submitter. Criteria: Invitae Variant Classification Sherloc (09022015). Collection method: clinical testing. Allele origin: germline.
Comment: In summary, the available evidence is currently insufficient to determine the role of this variant in disease. Therefore, it has been classified as a Variant of Uncertain Significance. This variant has not been reported in the literature in individuals affected with SLC18A3-related conditions. This variant is not present in population databases (gnomAD no frequency). This sequence change affects codon 93 of the SLC18A3 mRNA. It is a 'silent' change, meaning that it does not change the encoded amino acid sequence of the SLC18A3 protein.

NM_003055.3(SLC18A3):c.279C>T (p.Tyr93=)

Genes: CHAT (choline O-acetyltransferase; plus strand), SLC18A3 (solute carrier family 18 member A3; plus strand). Cytogenetic location: 10q11.23.
Variant type: single nucleotide variant.
Coding change: c.279C>T on transcript NM_003055.3 (MANE Select); coding-DNA position 279, C replaced by T.
Protein change: p.Tyr93=; no amino-acid change (tyrosine 93 retained).
Molecular consequence: synonymous variant. On other transcripts: intron variant (1).
Genome position (GRCh38, 1-based): chr10:49,611,019, C>T. VCF-style: chr10-49611019-C-T. GRCh37 (hg19) VCF-style: chr10-50819065-C-T.
Other names: c.-69+1820C>T (NM_020984.4).
Identifiers: ClinVar variation 2018603 (VCV002018603.4), dbSNP rs2496270291, ClinGen allele CA469791201.